The following is an entry in ClinVar:

ClinVar aggregate classification (germline): Uncertain significance (1 of 4 stars; one submission).

Submission:

Labcorp Genetics (formerly Invitae), Labcorp
Classification: Uncertain significance. Last evaluated: 2025-05-04. Review status: criteria provided, single submitter. Criteria: Invitae Variant Classification Sherloc (09022015). Collection method: clinical testing. Allele origin: germline.
Comment: This sequence change replaces lysine, which is basic and polar, with arginine, which is basic and polar, at codon 615 of the LZTR1 protein (p.Lys615Arg). This variant is not present in population databases (gnomAD no frequency). This variant has not been reported in the literature in individuals affected with LZTR1-related conditions. Invitae Evidence Modeling of protein sequence and biophysical properties (such as structural, functional, and spatial information, amino acid conservation, physicochemical variation, residue mobility, and thermodynamic stability) indicates that this missense variant is not expected to disrupt LZTR1 protein function with a negative predictive value of 80%. In summary, the available evidence is currently insufficient to determine the role of this variant in disease. Therefore, it has been classified as a Variant of Uncertain Significance.

NM_006767.4(LZTR1):c.1844A>G (p.Lys615Arg)

Gene: LZTR1 (leucine zipper like post translational regulator 1; plus strand). Cytogenetic location: 22q11.21.
Variant type: single nucleotide variant.
Coding change: c.1844A>G on transcript NM_006767.4 (MANE Select); coding-DNA position 1844, A replaced by G.
Protein change: p.Lys615Arg; replaces lysine 615 with arginine.
Molecular consequence: missense variant.
Genome position (GRCh38, 1-based): chr22:20,994,928, A>G. VCF-style: chr22-20994928-A-G. GRCh37 (hg19) VCF-style: chr22-21349217-A-G.
Other names: short protein forms K615R.
Identifiers: ClinVar variation 4810540 (VCV004810540.1).
Genomic context (GRCh38, chr22:20,994,928, plus strand): 5'-AGGAGCACTGCCTGAACTTCGTGGTAAAGGAGTCCCACTTCAACCAGGTGATCATGATGA[A>G]GGAGTTCGAGCGCCTCTCCTCTCCACTGATAGTGGAGATTGTGCGGCGGAAGCAGCAGCC-3'
Protein context (NP_006758.2, residues 605-625): ESHFNQVIMM[Lys615Arg]EFERLSSPLI